The following is an entry in ClinVar:

ClinVar aggregate classification (germline): Likely pathogenic (1 of 4 stars; one submission).

Conditions:
Spastic paraplegia. Identifiers: MedGen C0037772, HP:0001258.

Submissions (2):

Labcorp Genetics (formerly Invitae), Labcorp
Classification: Likely pathogenic for Spastic paraplegia. Last evaluated: 2023-10-15. Review status: criteria provided, single submitter. Criteria: Invitae Variant Classification Sherloc (09022015). Collection method: clinical testing. Allele origin: germline.
Comment: This sequence change affects a donor splice site in intron 36 of the ZFYVE26 gene. It is expected to disrupt RNA splicing. Variants that disrupt the donor or acceptor splice site typically lead to a loss of protein function (PMID: 16199547), and loss-of-function variants in ZFYVE26 are known to be pathogenic (PMID: 18394578, 19805727). This variant is not present in population databases (gnomAD no frequency). This variant has not been reported in the literature in individuals affected with ZFYVE26-related conditions. Algorithms developed to predict the effect of sequence changes on RNA splicing suggest that this variant may disrupt the consensus splice site. In summary, the currently available evidence indicates that the variant is pathogenic, but additional data are needed to prove that conclusively. Therefore, this variant has been classified as Likely Pathogenic.

Dr. Peter K. Rogan Lab, Western University
No classification provided (evidence only). Condition: Lung cancer. Review status: no classification provided. Collection method: in vitro. Allele origin: not applicable. Functional consequence: skipped exon. Not counted in ClinVar's aggregate classification.

Literature cited by the submitters: PubMed 16199547 (cited by Labcorp Genetics (formerly Invitae), Labcorp); PubMed 18394578 (cited by Labcorp Genetics (formerly Invitae), Labcorp); PubMed 19805727 (cited by Labcorp Genetics (formerly Invitae), Labcorp).

NM_015346.4(ZFYVE26):c.6786+1G>T

Gene: ZFYVE26 (zinc finger FYVE-type containing 26; minus strand). Cytogenetic location: 14q24.1.
Variant type: single nucleotide variant.
Coding change: c.6786+1G>T on transcript NM_015346.4 (MANE Select); the canonical splice donor site of the intron after coding-DNA position 6786, G replaced by T.
Molecular consequence: splice donor variant.
Genome position (GRCh38, 1-based): chr14:67,755,947, C>A on the plus strand (G>T on the coding strand, the complement: ZFYVE26 is on the minus strand). VCF-style: chr14-67755947-C-A. GRCh37 (hg19) VCF-style: chr14-68222664-C-A.
Identifiers: ClinVar variation 2768876 (VCV002768876.4), dbSNP rs2503944067, ClinGen allele CA390161209.